The following is an entry in ClinVar:

ClinVar aggregate classification (germline): Uncertain significance (1 of 4 stars; one submission).

Conditions:
Epilepsy, progressive myoclonic, 1B. Also called: PME. Identifiers: Orphanet 308, MedGen C2676254, MONDO:0012904, OMIM 612437.

Submission:

Labcorp Genetics (formerly Invitae), Labcorp
Classification: Uncertain significance for Epilepsy, progressive myoclonic, 1B. Last evaluated: 2022-11-15. Review status: criteria provided, single submitter. Criteria: Invitae Variant Classification Sherloc (09022015). Collection method: clinical testing. Allele origin: germline.
Comment: In summary, the available evidence is currently insufficient to determine the role of this variant in disease. Therefore, it has been classified as a Variant of Uncertain Significance. Advanced modeling of protein sequence and biophysical properties (such as structural, functional, and spatial information, amino acid conservation, physicochemical variation, residue mobility, and thermodynamic stability) performed at Invitae indicates that this missense variant is not expected to disrupt PRICKLE1 protein function. This variant has not been reported in the literature in individuals affected with PRICKLE1-related conditions. This variant is not present in population databases (gnomAD no frequency). This sequence change replaces proline, which is neutral and non-polar, with alanine, which is neutral and non-polar, at codon 405 of the PRICKLE1 protein (p.Pro405Ala).

NM_153026.3(PRICKLE1):c.1213C>G (p.Pro405Ala)

Genes: PRICKLE1 (prickle planar cell polarity protein 1; minus strand), LOC126861509 (BRD4-independent group 4 enhancer GRCh37_chr12:42858567-42859766; plus strand). Cytogenetic location: 12q12.
Variant type: single nucleotide variant.
Coding change: c.1213C>G on transcript NM_153026.3 (MANE Select); coding-DNA position 1213, C replaced by G.
Protein change: p.Pro405Ala; replaces proline 405 with alanine.
Molecular consequence: missense variant.
Genome position (GRCh38, 1-based): chr12:42,464,821, G>C on the plus strand (C>G on the coding strand, the complement: PRICKLE1 is on the minus strand). VCF-style: chr12-42464821-G-C. GRCh37 (hg19) VCF-style: chr12-42858623-G-C.
Other names: c.1213C>G, p.Pro405Ala (NM_001144881.2, NM_001144882.2, NM_001144883.2); short protein forms P405A.
Identifiers: ClinVar variation 1713480 (VCV001713480.6), dbSNP rs2503415625, ClinGen allele CA384442212.